The following is an entry in ClinVar:

ClinVar aggregate classification (germline): Pathogenic (1 of 4 stars; one submission).

Conditions:
Chédiak-Higashi syndrome (CHS). Also called: Chediak-Higashi Syndrome. Identifiers: Orphanet 167, MedGen C0007965, MONDO:0008963, OMIM 214500.

Allele frequency attached by ClinVar (database versions not stated): gnomAD exomes below 0.00001.
gnomAD v4.1: 1 of 1,530,314 alleles (0.000065%); highest among the groups gnomAD compares: Non-Finnish European, 0.00009%; no homozygotes.

Submission:

Labcorp Genetics (formerly Invitae), Labcorp
Classification: Pathogenic for Chédiak-Higashi syndrome. Last evaluated: 2024-02-20. Review status: criteria provided, single submitter. Criteria: Invitae Variant Classification Sherloc (09022015). Collection method: clinical testing. Allele origin: germline.
Comment: This sequence change affects an acceptor splice site in intron 32 of the LYST gene. It is expected to disrupt RNA splicing. Variants that disrupt the donor or acceptor splice site typically lead to a loss of protein function (PMID: 16199547), and loss-of-function variants in LYST are known to be pathogenic (PMID: 9215679, 11857544). This variant is not present in population databases (gnomAD no frequency). Disruption of this splice site has been observed in individual(s) with clinical features of Chediak-Higashi syndrome (Invitae). ClinVar contains an entry for this variant (Variation ID: 1454348). Algorithms developed to predict the effect of sequence changes on RNA splicing suggest that this variant may disrupt the consensus splice site. For these reasons, this variant has been classified as Pathogenic.

Literature cited by the submitters: PubMed 16199547; PubMed 9215679; PubMed 11857544.

NM_000081.4(LYST):c.8536-1G>A

Gene: LYST (lysosomal trafficking regulator; minus strand). Cytogenetic location: 1q42.3.
Variant type: single nucleotide variant.
Coding change: c.8536-1G>A on transcript NM_000081.4 (MANE Select); the canonical splice acceptor site of the intron before coding-DNA position 8536, G replaced by A.
Molecular consequence: splice acceptor variant.
Genome position (GRCh38, 1-based): chr1:235,733,907, C>T on the plus strand (G>A on the coding strand, the complement: LYST is on the minus strand). VCF-style: chr1-235733907-C-T. GRCh37 (hg19) VCF-style: chr1-235897207-C-T.
Other names: c.8536-1G>A (NM_001301365.1).
Identifiers: ClinVar variation 1454348 (VCV001454348.6), dbSNP rs1664595275, ClinGen allele CA344920780.